The following is an entry in ClinVar:

NM_000789.4(ACE):c.1727G>C (p.Gly576Ala)

Gene: ACE (angiotensin I converting enzyme; plus strand). Cytogenetic location: 17q23.3.
Variant type: single nucleotide variant.
Coding change: c.1727G>C on transcript NM_000789.4 (MANE Select); coding-DNA position 1727, G replaced by C.
Protein change: p.Gly576Ala; replaces glycine 576 with alanine.
Molecular consequence: missense variant.
Genome position (GRCh38, 1-based): chr17:63,484,347, G>C. VCF-style: chr17-63484347-G-C. GRCh37 (hg19) VCF-style: chr17-61561708-G-C.
Other names: c.1160G>C, p.Gly387Ala (NM_001382700.1); c.875G>C, p.Gly292Ala (NM_001382701.1); short protein forms G387A, G292A, G576A.
Identifiers: ClinVar variation 2185040 (VCV002185040.4), dbSNP rs1243492273, ClinGen allele CA400552067.

ClinVar aggregate classification (germline): Uncertain significance (1 of 4 stars; one submission).

Allele frequency attached by ClinVar (database versions not stated): gnomAD exomes 0.00001.
gnomAD v4.1: 17 of 1,610,922 alleles (0.0011%); highest among the groups gnomAD compares: Non-Finnish European, 0.0014%; no homozygotes.

Submission:

Labcorp Genetics (formerly Invitae), Labcorp
Classification: Uncertain significance. Last evaluated: 2022-01-14. Review status: criteria provided, single submitter. Criteria: Invitae Variant Classification Sherloc (09022015). Collection method: clinical testing. Allele origin: germline.
Comment: In summary, the available evidence is currently insufficient to determine the role of this variant in disease. Therefore, it has been classified as a Variant of Uncertain Significance. Algorithms developed to predict the effect of missense changes on protein structure and function are either unavailable or do not agree on the potential impact of this missense change (SIFT: "Deleterious"; PolyPhen-2: "Benign"; Align-GVGD: "Class C55"). This variant has not been reported in the literature in individuals affected with ACE-related conditions. This variant is present in population databases (no rsID available, gnomAD 0.0009%). This sequence change replaces glycine, which is neutral and non-polar, with alanine, which is neutral and non-polar, at codon 576 of the ACE protein (p.Gly576Ala).